The following is an entry in ClinVar:

NM_002617.4(PEX10):c.601-16G>A

Gene: PEX10 (peroxisomal biogenesis factor 10; minus strand). Cytogenetic location: 1p36.32.
Variant type: single nucleotide variant.
Coding change: c.601-16G>A on transcript NM_002617.4 (MANE Select); 16 bases into the intron before coding-DNA position 601, G replaced by A.
Molecular consequence: intron variant. On other transcripts: synonymous variant (3).
Genome position (GRCh38, 1-based): chr1:2,406,911, C>T on the plus strand (G>A on the coding strand, the complement: PEX10 is on the minus strand). VCF-style: chr1-2406911-C-T. GRCh37 (hg19) VCF-style: chr1-2338350-C-T.
Other names: c.645G>A (NM_153818.1); c.642G>A, p.Ala214= (NM_001374425.1); c.210G>A, p.Ala70= (NM_001374426.1); c.645G>A, p.Ala215= (NM_153818.2); c.169-16G>A (NM_001374427.1).
Identifiers: ClinVar variation 1135714 (VCV001135714.8), dbSNP rs554294948, ClinGen allele CA538099.

ClinVar aggregate classification (germline): Likely benign. Review status: criteria provided, single submitter (1 of 4 stars). 2 submissions from 2 submitters: Likely benign (1). 1 of the submissions does not count toward it. Last evaluated 2026-01-18.

Conditions:
PEX10-related disorder. Also called: PEX10-related condition.
Peroxisome biogenesis disorder, complementation group 7 (CG7). Also called: Peroxisome biogenesis disorder, complementation group B. Identifiers: MedGen C1864399.

Allele frequency attached by ClinVar (database versions not stated): TOPMed 0.00003; gnomAD exomes 0.00004; gnomAD 0.00005; ExAC 0.00009.
gnomAD v4.1: 61 of 1,605,488 alleles (0.0038%); highest among the groups gnomAD compares: African/African-American, 0.0067%; no homozygotes.

Submissions (2):

Labcorp Genetics (formerly Invitae), Labcorp
Classification: Likely benign for Peroxisome biogenesis disorder, complementation group 7. Last evaluated: 2026-01-18. Review status: criteria provided, single submitter. Criteria: Invitae Variant Classification Sherloc (09022015). Collection method: clinical testing. Allele origin: germline.

PreventionGenetics, part of Exact Sciences
Classification: Likely benign for PEX10-related condition. Last evaluated: 2024-03-08. Review status: no assertion criteria provided. Collection method: clinical testing. Allele origin: germline. Not counted in ClinVar's aggregate classification.
Comment: This variant is classified as likely benign based on ACMG/AMP sequence variant interpretation guidelines (Richards et al. 2015 PMID: 25741868, with internal and published modifications).